The following is an entry in ClinVar:

NM_000038.6(APC):c.3962G>A (p.Ser1321Asn)

Gene: APC (APC regulator of Wnt signaling pathway; plus strand). Cytogenetic location: 5q22.2.
Variant type: single nucleotide variant.
Coding change: c.3962G>A on transcript NM_000038.6 (MANE Select); coding-DNA position 3962, G replaced by A.
Protein change: p.Ser1321Asn; replaces serine 1321 with asparagine.
Molecular consequence: missense variant.
Genome position (GRCh38, 1-based): chr5:112,839,556, G>A. VCF-style: chr5-112839556-G-A. GRCh37 (hg19) VCF-style: chr5-112175253-G-A.
Other names: c.3962G>A, p.Ser1321Asn (NM_001127510.3, NM_001354895.2); c.3908G>A, p.Ser1303Asn (NM_001127511.3); c.4016G>A, p.Ser1339Asn (NM_001354896.2); c.3992G>A, p.Ser1331Asn (NM_001354897.2); c.3887G>A, p.Ser1296Asn (NM_001354898.2); c.3878G>A, p.Ser1293Asn (NM_001354899.2); c.3839G>A, p.Ser1280Asn (NM_001354900.2); c.3785G>A, p.Ser1262Asn (NM_001354901.2); and 5 more; short protein forms S1321N, S1303N, S1262N, S1293N, S1296N, S1161N, S1339N, S1195N.
Identifiers: ClinVar variation 482337 (VCV000482337.14), dbSNP rs1554085421, ClinGen allele CA16030021.

ClinVar aggregate classification (germline): Uncertain significance. Review status: criteria provided, multiple submitters, no conflicts (2 of 4 stars). 2 submissions from 2 submitters: Uncertain significance (2). Last evaluated 2024-05-15.

Conditions:
Hereditary cancer-predisposing syndrome. Also called: Neoplastic Syndromes, Hereditary; Tumor predisposition; Hereditary Cancer Syndrome; Hereditary neoplastic syndrome. Identifiers: Orphanet 140162, MedGen C0027672, MeSH D009386, MONDO:0015356.
Familial adenomatous polyposis 1 (FAP1). Also called: FAMILIAL ADENOMATOUS POLYPOSIS 1, ATTENUATED; POLYPOSIS, ADENOMATOUS INTESTINAL. Identifiers: MedGen C2713442, MONDO:0021056, OMIM 175100. Disease mechanism: loss of function.

Allele frequency attached by ClinVar (database versions not stated): gnomAD exomes below 0.00001.
gnomAD v4.1: 1 of 1,614,204 alleles (0.000062%); highest among the groups gnomAD compares: Non-Finnish European, 0.000085%; no homozygotes.

Submissions (2):

Labcorp Genetics (formerly Invitae), Labcorp
Classification: Uncertain significance for Familial adenomatous polyposis 1. Last evaluated: 2024-05-15. Review status: criteria provided, single submitter. Criteria: Invitae Variant Classification Sherloc (09022015). Collection method: clinical testing. Allele origin: germline.
Comment: This sequence change replaces serine, which is neutral and polar, with asparagine, which is neutral and polar, at codon 1321 of the APC protein (p.Ser1321Asn). This variant is not present in population databases (gnomAD no frequency). This variant has not been reported in the literature in individuals affected with APC-related conditions. ClinVar contains an entry for this variant (Variation ID: 482337). Advanced modeling of protein sequence and biophysical properties (such as structural, functional, and spatial information, amino acid conservation, physicochemical variation, residue mobility, and thermodynamic stability) performed at Invitae indicates that this missense variant is not expected to disrupt APC protein function with a negative predictive value of 95%. In summary, the available evidence is currently insufficient to determine the role of this variant in disease. Therefore, it has been classified as a Variant of Uncertain Significance.

Ambry Genetics
Classification: Uncertain significance for Hereditary cancer-predisposing syndrome. Last evaluated: 2024-02-29. Review status: criteria provided, single submitter. Criteria: Ambry Variant Classification Scheme 2023. Collection method: clinical testing. Allele origin: germline.
Comment: The p.S1321N variant (also known as c.3962G>A), located in coding exon 15 of the APC gene, results from a G to A substitution at nucleotide position 3962. The serine at codon 1321 is replaced by asparagine, an amino acid with highly similar properties. This amino acid position is not well conserved in available vertebrate species. In addition, in silico predictors for this gene do not accurately predict pathogenicity. Since supporting evidence is limited at this time, the clinical significance of this alteration remains unclear.